The following is an entry in ClinVar:

ClinVar aggregate classification (germline): Pathogenic (1 of 4 stars; one submission).

Conditions:
Hereditary insensitivity to pain with anhidrosis (CIPA). Also called: hereditary sensory and autonomic neuropathy type 4; INSENSITIVITY TO PAIN, CONGENITAL, WITH ANHIDROSIS; FAMILIAL DYSAUTONOMIA, TYPE II; NTRK1 Congenital Insensitivity to Pain with Anhidrosis; NEUROPATHY, CONGENITAL SENSORY, WITH ANHIDROSIS; HSAN Type IV. Identifiers: Orphanet 642, MedGen C0020074, MONDO:0009746, OMIM 256800.

Submission:

Labcorp Genetics (formerly Invitae), Labcorp
Classification: Pathogenic for Hereditary insensitivity to pain with anhidrosis. Last evaluated: 2023-03-28. Review status: criteria provided, single submitter. Criteria: Invitae Variant Classification Sherloc (09022015). Collection method: clinical testing. Allele origin: germline.
Comment: This sequence change affects a donor splice site in intron 5 of the NTRK1 gene. RNA analysis indicates that disruption of this splice site induces altered splicing and may result in an absent or disrupted protein product. This variant is not present in population databases (gnomAD no frequency). Disruption of this splice site has been observed in individuals with hereditary sensory and autonomic neuropathy (PMID: 11139246, 21708027, 22957891). ClinVar contains an entry for this variant (Variation ID: 1895701). Studies have shown that disruption of this splice site results in skipping of exon 5 and introduces a premature termination codon (PMID: 21708027). The resulting mRNA is expected to undergo nonsense-mediated decay. For these reasons, this variant has been classified as Pathogenic.

Literature cited by the submitters: PubMed 11139246; PubMed 21708027; PubMed 22957891.

NM_002529.4(NTRK1):c.574+1G>T

Gene: NTRK1 (neurotrophic receptor tyrosine kinase 1; plus strand). Cytogenetic location: 1q23.1.
Variant type: single nucleotide variant.
Coding change: c.574+1G>T on transcript NM_002529.4 (MANE Select); the canonical splice donor site of the intron after coding-DNA position 574, G replaced by T.
Molecular consequence: splice donor variant.
Genome position (GRCh38, 1-based): chr1:156,868,250, G>T. VCF-style: chr1-156868250-G-T. GRCh37 (hg19) VCF-style: chr1-156838042-G-T.
Other names: c.484+1G>T (NM_001007792.1); c.574+1G>T (NM_001012331.2).
Identifiers: ClinVar variation 1895701 (VCV001895701.5), dbSNP rs1232901259, ClinGen allele CA342934092.
Genomic context (GRCh38, chr1:156,868,250, plus strand): 5'-AACAGAAGCTGCAGTGTCATGGGCAAGGGCCCCTGGCCCACATGCCCAATGCCAGCTGTG[G>T]TAGGTGCCGGGTGAGGGAGGTGGTGTAAGGGGGCTGGGGAAGAGACCTACCTGCCTGAGG-3'